The following is an entry in ClinVar:

ClinVar aggregate classification (germline): Conflicting classifications of pathogenicity. Review status: criteria provided, conflicting classifications (1 of 4 stars). 11 submissions from 11 submitters: Uncertain significance (1); Benign (1); Likely benign (5). 4 of the submissions do not count toward it. Last evaluated 2026-01-11.

Conditions:
ABCA4-related disorder. Also called: ABCA4-related condition; ABCA4-related disorders. Identifiers: MedGen CN239167.
Retinal dystrophy. Also called: Inherited retinal dystrophy. Identifiers: Orphanet 71862, MedGen C0854723, MeSH D058499, MONDO:0019118, HP:0000556.

Allele frequency attached by ClinVar (database versions not stated): TOPMed 0.00050; ESP Exome Variant Server 0.00054; gnomAD 0.00054.
gnomAD v4.1: 1,069 of 1,613,902 alleles (0.066%); highest among the groups gnomAD compares: Middle Eastern, 0.099%; 1 homozygote.

Submissions (11):

Labcorp Genetics (formerly Invitae), Labcorp
Classification: Likely benign. Last evaluated: 2026-01-11. Review status: criteria provided, single submitter. Criteria: Invitae Variant Classification Sherloc (09022015). Collection method: clinical testing. Allele origin: germline.

CeGaT Center for Human Genetics Tuebingen
Classification: Likely benign. Last evaluated: 2025-04-01. Review status: criteria provided, single submitter. Criteria: CeGaT Center For Human Genetics Tuebingen Variant Classification Criteria Version 2. Collection method: clinical testing. Allele origin: germline. Affected: yes. Observed: 1 variant allele.
Comment: ABCA4: BP4, BP7

Blueprint Genetics
Classification: Likely benign. Last evaluated: 2024-11-19. Review status: criteria provided, single submitter. Criteria: ACMG Guidelines, 2015. Collection method: clinical testing. Allele origin: germline.

Institute of Human Genetics, Univ. Regensburg, Univ. Regensburg
Classification: Likely benign for Retinal dystrophy. Last evaluated: 2023-01-01. Review status: criteria provided, single submitter. Criteria: ACMG Guidelines, 2015. Collection method: clinical testing. Allele origin: germline. Affected: yes.

ARUP Laboratories, Molecular Genetics and Genomics, ARUP Laboratories
Classification: Likely benign. Last evaluated: 2018-09-13. Review status: criteria provided, single submitter. Criteria: ARUP Molecular Germline Variant Investigation Process. Collection method: clinical testing. Allele origin: germline.

Illumina Laboratory Services, Illumina
Classification: Uncertain significance for ABCA4-Related Disorders. Last evaluated: 2017-04-27. Review status: criteria provided, single submitter. Criteria: ICSL Variant Classification Criteria 13 December 2019. Collection method: clinical testing. Allele origin: germline.

GeneDx
Classification: Benign. Last evaluated: 2015-03-03. Review status: criteria provided, single submitter. Criteria: GeneDx Variant Classification Process June 2021. Collection method: clinical testing. Allele origin: germline. Affected: yes.

PreventionGenetics, part of Exact Sciences
Classification: Likely benign for ABCA4-related condition. Last evaluated: 2019-09-12. Review status: no assertion criteria provided. Collection method: clinical testing. Allele origin: germline. Not counted in ClinVar's aggregate classification.
Comment: This variant is classified as likely benign based on ACMG/AMP sequence variant interpretation guidelines (Richards et al. 2015 PMID: 25741868, with internal and published modifications).

Clinical Genetics DNA and cytogenetics Diagnostics Lab, Erasmus MC, Erasmus Medical Center
Classification: Likely benign. Review status: no assertion criteria provided. Collection method: clinical testing. Allele origin: germline. Affected: yes. Study: VKGL Data-share Consensus. Not counted in ClinVar's aggregate classification.

Clinical Genetics, Academic Medical Center
Classification: Likely benign. Review status: no assertion criteria provided. Collection method: clinical testing. Allele origin: germline. Affected: yes. Study: VKGL Data-share Consensus. Not counted in ClinVar's aggregate classification.

Retina International
No classification provided. Review status: no classification provided. Collection method: not provided. Allele origin: not provided. Not counted in ClinVar's aggregate classification.

Literature cited by the submitters: PubMed 28118664 (cited by Institute of Human Genetics, Univ. Regensburg, Univ. Regensburg).

NM_000350.3(ABCA4):c.981C>T (p.Pro327=)

Gene: ABCA4 (ATP binding cassette subfamily A member 4; minus strand). Cytogenetic location: 1p22.1.
Variant type: single nucleotide variant.
Coding change: c.981C>T on transcript NM_000350.3 (MANE Select); coding-DNA position 981, C replaced by T.
Protein change: p.Pro327=; no amino-acid change (proline 327 retained).
Molecular consequence: synonymous variant.
Genome position (GRCh38, 1-based): chr1:94,080,596, G>A on the plus strand (C>T on the coding strand, the complement: ABCA4 is on the minus strand). VCF-style: chr1-94080596-G-A. GRCh37 (hg19) VCF-style: chr1-94546152-G-A.
Other names: c.981C>T, p.Pro327= (NM_001425324.1).
Identifiers: ClinVar variation 99516 (VCV000099516.36), dbSNP rs61753057, ClinGen allele CA227473.